The following is an entry in ClinVar:

NM_001195263.2(PDZD7):c.626G>C (p.Arg209Pro)

Gene: PDZD7 (PDZ domain containing 7; minus strand). Cytogenetic location: 10q24.31.
Variant type: single nucleotide variant.
Coding change: c.626G>C on transcript NM_001195263.2 (MANE Select); coding-DNA position 626, G replaced by C.
Protein change: p.Arg209Pro; replaces arginine 209 with proline.
Molecular consequence: missense variant.
Genome position (GRCh38, 1-based): chr10:101,022,302, C>G on the plus strand (G>C on the coding strand, the complement: PDZD7 is on the minus strand). VCF-style: chr10-101022302-C-G. GRCh37 (hg19) VCF-style: chr10-102782059-C-G.
Other names: c.626G>C (NM_001195263.1); c.626G>C, p.Arg209Pro (NM_001351044.2, NM_024895.5); short protein forms R209P.
Identifiers: ClinVar variation 1472113 (VCV001472113.9), dbSNP rs1018597313, ClinGen allele CA378230287.

ClinVar aggregate classification (germline): Uncertain significance. Review status: criteria provided, multiple submitters, no conflicts (2 of 4 stars). 2 submissions from 2 submitters: Uncertain significance (2). Last evaluated 2024-07-27.

Conditions:
Inborn genetic diseases. Identifiers: MedGen C0950123, MeSH D030342.

Submissions (2):

Ambry Genetics
Classification: Uncertain significance for Inborn genetic diseases. Last evaluated: 2024-07-27. Review status: criteria provided, single submitter. Criteria: Ambry Variant Classification Scheme 2023. Collection method: clinical testing. Allele origin: germline.

Labcorp Genetics (formerly Invitae), Labcorp
Classification: Uncertain significance. Last evaluated: 2022-02-08. Review status: criteria provided, single submitter. Criteria: Invitae Variant Classification Sherloc (09022015). Collection method: clinical testing. Allele origin: germline.
Comment: In summary, the available evidence is currently insufficient to determine the role of this variant in disease. Therefore, it has been classified as a Variant of Uncertain Significance. Algorithms developed to predict the effect of missense changes on protein structure and function are either unavailable or do not agree on the potential impact of this missense change (SIFT: "Deleterious"; PolyPhen-2: "Not Available"; Align-GVGD: "Class C65"). This variant has not been reported in the literature in individuals affected with PDZD7-related conditions. This variant is not present in population databases (gnomAD no frequency). This sequence change replaces arginine, which is basic and polar, with proline, which is neutral and non-polar, at codon 209 of the PDZD7 protein (p.Arg209Pro).